The following is an entry in ClinVar:

NM_001370466.1(NOD2):c.1879G>A (p.Gly627Arg)

Gene: NOD2 (nucleotide binding oligomerization domain containing 2; plus strand). Cytogenetic location: 16q12.1.
Variant type: single nucleotide variant.
Coding change: c.1879G>A on transcript NM_001370466.1 (MANE Select); coding-DNA position 1879, G replaced by A.
Protein change: p.Gly627Arg; replaces glycine 627 with arginine.
Molecular consequence: missense variant. On other transcripts: non-coding transcript variant (1).
Genome position (GRCh38, 1-based): chr16:50,711,871, G>A. VCF-style: chr16-50711871-G-A. GRCh37 (hg19) VCF-style: chr16-50745782-G-A.
Other names: c.1879G>A, p.Gly627Arg (NM_001293557.2); c.1960G>A, p.Gly654Arg (NM_022162.3); c.1960G>A (NM_022162.1); short protein forms G654R, G627R.
Identifiers: ClinVar variation 1446375 (VCV001446375.7), dbSNP rs777290315, ClinGen allele CA8051657.

ClinVar aggregate classification (germline): Uncertain significance. Review status: criteria provided, multiple submitters, no conflicts (2 of 4 stars). 2 submissions from 2 submitters: Uncertain significance (2). Last evaluated 2024-12-12.

Conditions:
Inborn genetic diseases. Identifiers: MedGen C0950123, MeSH D030342.
Blau syndrome (BLAUS). Also called: ARTHROCUTANEOUVEAL GRANULOMATOSIS; GRANULOMATOSIS, FAMILIAL JUVENILE SYSTEMIC; GRANULOMATOSIS, FAMILIAL, BLAU TYPE; GRANULOMATOUS INFLAMMATORY ARTHRITIS, DERMATITIS, AND UVEITIS, FAMILIAL; JABS SYNDROME. Identifiers: Orphanet 90340, MedGen C5201146, MONDO:0008523, OMIM 186580.
Regional enteritis. Also called: Enteritis, Granulomatous. Identifiers: MedGen C0678202, MeSH D003424.

Allele frequency attached by ClinVar (database versions not stated): gnomAD exomes below 0.00001; TOPMed below 0.00001; ExAC 0.00001; gnomAD 0.00001.

Submissions (2):

Ambry Genetics
Classification: Uncertain significance for Inborn genetic diseases. Last evaluated: 2024-12-12. Review status: criteria provided, single submitter. Criteria: Ambry Variant Classification Scheme 2023. Collection method: clinical testing. Allele origin: germline.

Labcorp Genetics (formerly Invitae), Labcorp
Classification: Uncertain significance for Regional enteritis; Blau syndrome. Last evaluated: 2023-11-14. Review status: criteria provided, single submitter. Criteria: Invitae Variant Classification Sherloc (09022015). Collection method: clinical testing. Allele origin: germline.
Comment: This sequence change replaces glycine, which is neutral and non-polar, with arginine, which is basic and polar, at codon 654 of the NOD2 protein (p.Gly654Arg). This variant is present in population databases (rs777290315, gnomAD 0.003%). This variant has not been reported in the literature in individuals affected with NOD2-related conditions. ClinVar contains an entry for this variant (Variation ID: 1446375). Advanced modeling of protein sequence and biophysical properties (such as structural, functional, and spatial information, amino acid conservation, physicochemical variation, residue mobility, and thermodynamic stability) performed at Invitae indicates that this missense variant is not expected to disrupt NOD2 protein function with a negative predictive value of 95%. In summary, the available evidence is currently insufficient to determine the role of this variant in disease. Therefore, it has been classified as a Variant of Uncertain Significance.